The following is an entry in ClinVar:

NM_024408.4(NOTCH2):c.6068A>G (p.Tyr2023Cys)

Gene: NOTCH2 (notch receptor 2; minus strand). Cytogenetic location: 1p12.
Variant type: single nucleotide variant.
Coding change: c.6068A>G on transcript NM_024408.4 (MANE Select); coding-DNA position 6068, A replaced by G.
Protein change: p.Tyr2023Cys; replaces tyrosine 2023 with cysteine.
Molecular consequence: missense variant.
Genome position (GRCh38, 1-based): chr1:119,916,654, T>C on the plus strand (A>G on the coding strand, the complement: NOTCH2 is on the minus strand). VCF-style: chr1-119916654-T-C. GRCh37 (hg19) VCF-style: chr1-120459277-T-C.
Other names: short protein forms Y2023C.
Identifiers: ClinVar variation 3352922 (VCV003352922.3).

ClinVar aggregate classification (germline): Uncertain significance. Review status: criteria provided, single submitter (1 of 4 stars). 2 submissions from 2 submitters: Uncertain significance (1). 1 of the submissions does not count toward it. Last evaluated 2024-09-04.

Conditions:
NOTCH2-related disorder. Also called: NOTCH2-related condition.
Hajdu-Cheney syndrome (HJCYS). Also called: Acroosteolysis dominant type; SERPENTINE FIBULA-POLYCYSTIC KIDNEY SYNDROME; ACROOSTEOLYSIS WITH OSTEOPOROSIS AND CHANGES IN SKULL AND MANDIBLE. Identifiers: Orphanet 955, MedGen C0917715, MONDO:0007057, OMIM 102500.

gnomAD v4.1: 11 of 1,614,210 alleles (0.00068%); highest among the groups gnomAD compares: South Asian, 0.0022%; no homozygotes.

Submissions (2):

Labcorp Genetics (formerly Invitae), Labcorp
Classification: Uncertain significance for Hajdu-Cheney syndrome. Last evaluated: 2024-09-04. Review status: criteria provided, single submitter. Criteria: Invitae Variant Classification Sherloc (09022015). Collection method: clinical testing. Allele origin: germline.
Comment: This sequence change replaces tyrosine, which is neutral and polar, with cysteine, which is neutral and slightly polar, at codon 2023 of the NOTCH2 protein (p.Tyr2023Cys). This variant is present in population databases (rs761872871, gnomAD 0.006%). This variant has not been reported in the literature in individuals affected with NOTCH2-related conditions. Invitae Evidence Modeling of protein sequence and biophysical properties (such as structural, functional, and spatial information, amino acid conservation, physicochemical variation, residue mobility, and thermodynamic stability) indicates that this missense variant is not expected to disrupt NOTCH2 protein function with a negative predictive value of 80%. In summary, the available evidence is currently insufficient to determine the role of this variant in disease. Therefore, it has been classified as a Variant of Uncertain Significance.

PreventionGenetics, part of Exact Sciences
Classification: Uncertain significance for NOTCH2-related condition. Last evaluated: 2024-09-08. Review status: no assertion criteria provided. Collection method: clinical testing. Allele origin: germline. Not counted in ClinVar's aggregate classification.
Comment: The NOTCH2 c.6068A>G variant is predicted to result in the amino acid substitution p.Tyr2023Cys. To our knowledge, this variant has not been reported in the literature in individuals with NOTCH2-related disorders. This variant is reported in 0.0065% of alleles in individuals of South Asian descent in gnomAD. At this time, the clinical significance of this variant is uncertain due to the absence of conclusive functional and genetic evidence.